The following is an entry in ClinVar:

ClinVar aggregate classification (germline): Benign. Review status: criteria provided, multiple submitters, no conflicts (2 of 4 stars). 2 submissions from 2 submitters: Benign (2). Last evaluated 2018-06-14.

Allele frequency attached by ClinVar (database versions not stated): TOPMed 0.62804; gnomAD 0.62826 and 0.63220; 1000 Genomes Project 30x 0.64631; 1000 Genomes Project 0.65695.
gnomAD v4.1: 591,111 of 895,532 alleles (66%); highest among the groups gnomAD compares: East Asian, 74%; 196,269 homozygotes.

Submissions (2):

GeneDx
Classification: Benign. Last evaluated: 2018-06-14. Review status: criteria provided, single submitter. Criteria: GeneDx Variant Classification (06012015). Collection method: clinical testing. Allele origin: germline. Affected: yes.
Comment: This variant is considered likely benign or benign based on one or more of the following criteria: it is a conservative change, it occurs at a poorly conserved position in the protein, it is predicted to be benign by multiple in silico algorithms, and/or has population frequency not consistent with disease.

Breakthrough Genomics
Classification: Benign. Review status: criteria provided, single submitter. Criteria: ACMG Guidelines, 2015. Collection method: not provided. Allele origin: germline. Inheritance: Autosomal recessive inheritance. Affected: yes.

NM_147127.5(EVC2):c.816+130G>A

Gene: EVC2 (EvC ciliary complex subunit 2; minus strand). Cytogenetic location: 4p16.2.
Variant type: single nucleotide variant.
Coding change: c.816+130G>A on transcript NM_147127.5 (MANE Select); 130 bases into the intron after coding-DNA position 816, G replaced by A.
Molecular consequence: intron variant.
Genome position (GRCh38, 1-based): chr4:5,685,240, C>T on the plus strand (G>A on the coding strand, the complement: EVC2 is on the minus strand). VCF-style: chr4-5685240-C-T. GRCh37 (hg19) VCF-style: chr4-5686967-C-T.
Other names: c.576+130G>A (NM_001166136.2).
Identifiers: ClinVar variation 669986 (VCV000669986.2), dbSNP rs957726, ClinGen allele CA11715277.